The following is an entry in ClinVar:

ClinVar aggregate classification (germline): Likely benign. Review status: criteria provided, single submitter (1 of 4 stars). 2 submissions from 2 submitters: Likely benign (1). 1 of the submissions does not count toward it. Last evaluated 2023-11-01.

Conditions:
MUC16-related disorder. Also called: MUC16-related condition.

Allele frequency attached by ClinVar (database versions not stated): TOPMed 0.00028; ESP Exome Variant Server 0.00033; gnomAD 0.00038; gnomAD exomes 0.00038; ExAC 0.00043.

Submissions (2):

CeGaT Center for Human Genetics Tuebingen
Classification: Likely benign. Last evaluated: 2023-11-01. Review status: criteria provided, single submitter. Criteria: CeGaT Center For Human Genetics Tuebingen Variant Classification Criteria Version 2. Collection method: clinical testing. Allele origin: germline. Affected: yes. Observed: 1 variant allele.
Comment: MUC16: BP4

PreventionGenetics, part of Exact Sciences
Classification: Likely benign for MUC16-related condition. Last evaluated: 2019-02-28. Review status: no assertion criteria provided. Collection method: clinical testing. Allele origin: germline. Not counted in ClinVar's aggregate classification.
Comment: This variant is classified as likely benign based on ACMG/AMP sequence variant interpretation guidelines (Richards et al. 2015 PMID: 25741868, with internal and published modifications).

NM_001401501.2(MUC16):c.38164+8G>A

Gene: MUC16 (mucin 16, cell surface associated; minus strand). Cytogenetic location: 19p13.2.
Variant type: single nucleotide variant.
Coding change: c.38164+8G>A on transcript NM_001401501.2 (MANE Select); 8 bases into the intron after coding-DNA position 38164, G replaced by A.
Molecular consequence: intron variant.
Genome position (GRCh38, 1-based): chr19:8,906,662, C>T on the plus strand (G>A on the coding strand, the complement: MUC16 is on the minus strand). VCF-style: chr19-8906662-C-T. GRCh37 (hg19) VCF-style: chr19-9017338-C-T.
Other names: c.38590+8G>A (NM_001414686.1); c.38044+8G>A (NM_001414687.1); c.37978+8G>A (NM_024690.2).
Identifiers: ClinVar variation 2672740 (VCV002672740.24), dbSNP rs201718882, ClinGen allele CA9164861.
Genomic context (GRCh38, chr19:8,906,662, plus strand): 5'-CCCCAAGCCAGAGATTAGAGGTTGCACAGCCAGGAGGAAGAGACCCCTACCATATCACAG[C>T]TGCTCACCATTGACATAGAGACTGTTCCTGTCCAGGGTGTAGGGGCCCAGCTCTTTGATG-3'